The following is an entry in ClinVar:

NM_001378457.1(DMXL2):c.6065C>T (p.Thr2022Ile)

Gene: DMXL2 (Dmx like 2; minus strand). Cytogenetic location: 15q21.2.
Variant type: single nucleotide variant.
Coding change: c.6065C>T on transcript NM_001378457.1 (MANE Select); coding-DNA position 6065, C replaced by T.
Protein change: p.Thr2022Ile; replaces threonine 2022 with isoleucine.
Molecular consequence: missense variant. On other transcripts: non-coding transcript variant (2).
Genome position (GRCh38, 1-based): chr15:51,481,041, G>A on the plus strand (C>T on the coding strand, the complement: DMXL2 is on the minus strand). VCF-style: chr15-51481041-G-A. GRCh37 (hg19) VCF-style: chr15-51773238-G-A.
Other names: c.6065C>T (NM_001174116.1); c.6065C>T, p.Thr2022Ile (NM_001174116.3, NM_001378458.1, NM_001378459.1 and 4 more transcripts); c.4157C>T, p.Thr1386Ile (NM_001174117.3); c.4046C>T, p.Thr1349Ile (NM_001378460.1); c.5825C>T, p.Thr1942Ile (NM_001378464.1); short protein forms T1349I, T1386I, T1942I, T2022I.
Identifiers: ClinVar variation 1910882 (VCV001910882.3), dbSNP rs768235096, ClinGen allele CA7561693.

ClinVar aggregate classification (germline): Uncertain significance. Review status: criteria provided, multiple submitters, no conflicts (2 of 4 stars). 2 submissions from 2 submitters: Uncertain significance (2). Last evaluated 2026-04-19.

Conditions:
DMXL2-related disorder. Also called: DMXL2-related condition.

Allele frequency attached by ClinVar (database versions not stated): ExAC 0.00001; gnomAD exomes 0.00001; gnomAD 0.00003; TOPMed 0.00003.
gnomAD v4.1: 8 of 1,614,052 alleles (0.0005%); highest among the groups gnomAD compares: African/African-American, 0.011%; no homozygotes.

Submissions (2):

PreventionGenetics, part of Exact Sciences
Classification: Uncertain significance for DMXL2-related condition. Last evaluated: 2026-04-19. Review status: criteria provided, single submitter. Criteria: ACMG Guidelines, 2015. Collection method: clinical testing. Allele origin: germline.
Comment: The DMXL2 c.6065C>T variant is predicted to result in the amino acid substitution p.Thr2022Ile. To our knowledge, this variant has not been reported in the literature. This variant is reported in 0.0062% of alleles in individuals of African descent in gnomAD. At this time, the clinical significance of this variant is uncertain due to the absence of conclusive functional and genetic evidence.

Labcorp Genetics (formerly Invitae), Labcorp
Classification: Uncertain significance. Last evaluated: 2022-01-31. Review status: criteria provided, single submitter. Criteria: Invitae Variant Classification Sherloc (09022015). Collection method: clinical testing. Allele origin: germline.
Comment: This sequence change replaces threonine, which is neutral and polar, with isoleucine, which is neutral and non-polar, at codon 2022 of the DMXL2 protein (p.Thr2022Ile). This variant is present in population databases (rs768235096, gnomAD 0.007%). This variant has not been reported in the literature in individuals affected with DMXL2-related conditions. Algorithms developed to predict the effect of missense changes on protein structure and function (SIFT, PolyPhen-2, Align-GVGD) all suggest that this variant is likely to be tolerated. In summary, the available evidence is currently insufficient to determine the role of this variant in disease. Therefore, it has been classified as a Variant of Uncertain Significance.